The following is an entry in ClinVar:

NM_001320752.2(STS):c.1363+37G>A

Gene: STS (steroid sulfatase; plus strand). Cytogenetic location: Xp22.31.
Variant type: single nucleotide variant.
Coding change: c.1363+37G>A on transcript NM_001320752.2 (MANE Select); 37 bases into the intron after coding-DNA position 1363, G replaced by A.
Molecular consequence: intron variant.
Genome position (GRCh38, 1-based): chrX:7,334,144, G>A. VCF-style: chrX-7334144-G-A. GRCh37 (hg19) VCF-style: chrX-7252185-G-A.
Other names: c.1399+37G>A (NM_001320750.3, NM_001320751.2); c.1363+37G>A (NM_000351.7, NM_001320753.2, NM_001320754.2).
Identifiers: ClinVar variation 1693412 (VCV001693412.2), dbSNP rs200554999, ClinGen allele CA10342177.
Genomic context (GRCh38, chrX:7,334,144, plus strand): 5'-CTGTGCGCTGGCACCCTCAGAACAGTGAGTAAACAGACCTTTCCACGCTCCTCATGCTCC[G>A]TGCAACCTATGCCATGGGAATAGATAAAACTAAAGGGTAAAAAGGTGGCTCTGCTCAATG-3'

ClinVar aggregate classification (germline): Likely benign (1 of 4 stars; one submission).

Allele frequency attached by ClinVar (database versions not stated): ESP Exome Variant Server 0.00331; TOPMed 0.00339; gnomAD 0.00408 and 0.00457; 1000 Genomes Project 30x 0.00562; 1000 Genomes Project 0.00662; ExAC 0.00702; gnomAD exomes 0.00711.
gnomAD v4.1: 7,165 of 1,208,773 alleles (0.59%); highest among the groups gnomAD compares: South Asian, 2.7%; 27 homozygotes.

Submission:

GeneDx
Classification: Likely benign. Last evaluated: 2021-12-31. Review status: criteria provided, single submitter. Criteria: GeneDx Variant Classification Process June 2021. Collection method: clinical testing. Allele origin: germline. Affected: yes.
Comment: See Variant Classification Assertion Criteria.